The following is an entry in ClinVar:

NM_003285.3(TNR):c.3118C>T (p.Leu1040Phe)

Gene: TNR (tenascin R; minus strand). Cytogenetic location: 1q25.1.
Variant type: single nucleotide variant.
Coding change: c.3118C>T on transcript NM_003285.3 (MANE Select); coding-DNA position 3118, C replaced by T.
Protein change: p.Leu1040Phe; replaces leucine 1040 with phenylalanine.
Molecular consequence: missense variant.
Genome position (GRCh38, 1-based): chr1:175,356,319, G>A on the plus strand (C>T on the coding strand, the complement: TNR is on the minus strand). VCF-style: chr1-175356319-G-A. GRCh37 (hg19) VCF-style: chr1-175325455-G-A.
Other names: c.2119C>T, p.Leu707Phe (NM_001328635.2); short protein forms L1040F, L707F.
Identifiers: ClinVar variation 3351302 (VCV003351302.1).

ClinVar aggregate classification (germline): Uncertain significance (0 of 4 stars; one submission).

Conditions:
TNR-related disorder. Also called: TNR-related condition.

gnomAD v4.1: 53 of 1,613,976 alleles (0.0033%); highest among the groups gnomAD compares: Non-Finnish European, 0.0042%; no homozygotes.

Submission:

PreventionGenetics, part of Exact Sciences
Classification: Uncertain significance for TNR-related condition. Last evaluated: 2024-06-15. Review status: no assertion criteria provided. Collection method: clinical testing. Allele origin: germline.
Comment: The TNR c.3118C>T variant is predicted to result in the amino acid substitution p.Leu1040Phe. To our knowledge, this variant has not been reported in the literature. This variant is reported in 0.0062% of alleles in individuals of European (Non-Finnish) descent in gnomAD. At this time, the clinical significance of this variant is uncertain due to the absence of conclusive functional and genetic evidence.